The following is an entry in ClinVar:

NM_000138.5(FBN1):c.8176del (p.Arg2726fs)

Gene: FBN1 (fibrillin 1; minus strand). Cytogenetic location: 15q21.1.
Variant type: Deletion.
Coding change: c.8176del on transcript NM_000138.5 (MANE Select); coding-DNA position 8176, one base deleted (C; older notation c.8176delC).
Protein change: p.Arg2726fs; shifts the reading frame from arginine 2726.
Molecular consequence: frameshift variant.
Genome position (GRCh38, 1-based): chr15:48,412,619, G deleted on the plus strand (C on the coding strand, the reverse complement: FBN1 is on the minus strand). VCF-style (leftmost placement, unchanged base first): chr15-48412618-CG-C. GRCh37 (hg19) VCF-style: chr15-48704815-CG-C.
Other names: c.8176delC, p.Arg2726Glyfs (NM_001406716.1); short protein forms R2726fs.
Identifiers: ClinVar variation 1710004 (VCV001710004.2), dbSNP rs2505375328, ClinGen allele CA2580089601.
Genomic context (GRCh38, chr15:48,412,618, plus strand): 5'-TTCTGACCCACCTCGATATTGGAGGCATCAGTTTCGTTTGTGCTTCTCCGTTTCCTGCCC[CG>C]TTTGGGGTAGCCATTGATCTTACACTCGTAACAAGCCTCTGGGGAGAGTGAATTGTCATC-3'

ClinVar aggregate classification (germline): Likely pathogenic (1 of 4 stars; one submission).

Conditions:
Marfan syndrome (MFS). Also called: Marfan's syndrome; Marfan syndrome, classic; MARFAN SYNDROME, TYPE I; Marfan syndrome type 1; FBN1-Related Marfan Syndrome. Identifiers: Orphanet 284963, Orphanet 558, MedGen C0024796, MONDO:0007947, OMIM 154700.

Submission:

MGZ Medical Genetics Center
Classification: Likely pathogenic for Marfan syndrome. Last evaluated: 2021-10-06. Review status: criteria provided, single submitter. Criteria: ACMG Guidelines, 2015. Collection method: clinical testing. Allele origin: germline. Affected: yes. Observed: 1 variant allele.
Comment: ACMG criteria applied: PVS1, PM2_SUP